The following is an entry in ClinVar:

NM_002180.3(IGHMBP2):c.931_934dup (p.Asp312fs)

Gene: IGHMBP2 (immunoglobulin mu DNA binding protein 2; plus strand). Cytogenetic location: 11q13.3.
Variant type: Duplication.
Coding change: c.931_934dup on transcript NM_002180.3 (MANE Select); coding-DNA positions 931 to 934, 4 bases duplicated (CAGG; older notation c.931_934dupCAGG).
Protein change: p.Asp312fs; shifts the reading frame from aspartic acid 312.
Molecular consequence: frameshift variant.
Genome position (GRCh38, 1-based): chr11:68,917,754-68,917,757, CAGG duplicated. VCF-style (leftmost placement, unchanged base first): chr11-68917753-C-CCAGG. GRCh37 (hg19) VCF-style: chr11-68685221-C-CCAGG.
Other names: short protein forms D312fs.
Identifiers: ClinVar variation 4850144 (VCV004850144.1).

ClinVar aggregate classification (germline): Pathogenic (1 of 4 stars; one submission).

Conditions:
Autosomal recessive distal spinal muscular atrophy 1. Also called: HMN VI; NEURONOPATHY, SEVERE INFANTILE AXONAL, WITH RESPIRATORY FAILURE; NEURONOPATHY, DISTAL HEREDITARY MOTOR, HARDING TYPE VI; NEUROPATHY, DISTAL HEREDITARY MOTOR, AUTOSOMAL RECESSIVE 1; SEVERE INFANTILE AXONAL NEUROPATHY WITH RESPIRATORY FAILURE; SPINAL MUSCULAR ATROPHY, DIAPHRAGMATIC. Identifiers: Orphanet 98920, MedGen C1858517, MONDO:0011436, OMIM 604320.

Submission:

Variantyx, Inc.
Classification: Pathogenic for Autosomal recessive distal spinal muscular atrophy 1. Last evaluated: 2025-09-09. Review status: criteria provided, single submitter. Criteria: Variantyx Assertion Criteria 2022. Collection method: clinical testing. Allele origin: germline. Inheritance: Autosomal recessive inheritance. Affected: yes.
Comment: This is a frameshift variant in the IGHMBP2 gene (OMIM: 600502). Pathogenic variants in this gene have been associated with autosomal recessive distal hereditary motor neuronopathy 1. This variant introduces a premature termination codon in exon 7 out of 15 and is expected to result in loss of function, which is a known disease mechanism for IGHMBP2 in this disorder (PMID: 14681881, 25439726, 25568292) (PVS1). It is absent from control populations (PM2) and it has not been reported in individuals with IGHMBP2-related disorders in the databases available for review. Based on the current evidence, this variant is classified as pathogenic for autosomal recessive distal hereditary motor neuronopathy 1.

Literature cited by the submitters: PubMed 14681881; PubMed 25439726; PubMed 25568292.